The following is an entry in ClinVar:

NM_006206.6(PDGFRA):c.1267G>C (p.Asp423His)

Gene: PDGFRA (platelet derived growth factor receptor alpha; plus strand). Cytogenetic location: 4q12.
Variant type: single nucleotide variant.
Coding change: c.1267G>C on transcript NM_006206.6 (MANE Select); coding-DNA position 1267, G replaced by C.
Protein change: p.Asp423His; replaces aspartic acid 423 with histidine.
Molecular consequence: missense variant.
Genome position (GRCh38, 1-based): chr4:54,272,423, G>C. VCF-style: chr4-54272423-G-C. GRCh37 (hg19) VCF-style: chr4-55138590-G-C.
Other names: c.1267G>C, p.Asp423His (NM_001347827.2, NM_001347829.2); c.1342G>C, p.Asp448His (NM_001347828.2); c.1306G>C, p.Asp436His (NM_001347830.2); short protein forms D423H, D448H, D436H.
Identifiers: ClinVar variation 2693592 (VCV002693592.3), dbSNP rs776298880, ClinGen allele CA2922508.
Genomic context (GRCh38, chr4:54,272,423, plus strand): 5'-TTCCATTCTGACTTCTTTCTGCCTCTTGCAGTTCCTTCATCCATTCTGGACTTGGTCGAT[G>C]ATCACCATGGCTCAACTGGGGGACAGACGGTGAGGTGCACAGCTGAAGGCACGCCGCTTC-3'
Protein context (NP_006197.1, residues 413-433): VPSSILDLVD[Asp423His]HHGSTGGQTV

ClinVar aggregate classification (germline): Uncertain significance (1 of 4 stars; one submission).

Conditions:
Gastrointestinal stromal tumor. Also called: Gastrointestinal stromal tumor, somatic; Gastrointestinal stroma tumor. Identifiers: Orphanet 44890, MedGen C0238198, MeSH D046152, MONDO:0011719, OMIM 606764, HP:0100723.

Allele frequency attached by ClinVar (database versions not stated): ExAC 0.00001.

Submission:

Labcorp Genetics (formerly Invitae), Labcorp
Classification: Uncertain significance for Gastrointestinal stromal tumor. Last evaluated: 2024-05-08. Review status: criteria provided, single submitter. Criteria: Invitae Variant Classification Sherloc (09022015). Collection method: clinical testing. Allele origin: germline.
Comment: This sequence change replaces aspartic acid, which is acidic and polar, with histidine, which is basic and polar, at codon 423 of the PDGFRA protein (p.Asp423His). This variant is present in population databases (rs776298880, gnomAD 0.004%). This variant has not been reported in the literature in individuals affected with PDGFRA-related conditions. Advanced modeling of protein sequence and biophysical properties (such as structural, functional, and spatial information, amino acid conservation, physicochemical variation, residue mobility, and thermodynamic stability) performed at Invitae indicates that this missense variant is not expected to disrupt PDGFRA protein function with a negative predictive value of 80%. In summary, the available evidence is currently insufficient to determine the role of this variant in disease. Therefore, it has been classified as a Variant of Uncertain Significance.